The following is an entry in ClinVar:

ClinVar aggregate classification (germline): Uncertain significance. Review status: criteria provided, single submitter (1 of 4 stars). 2 submissions from 2 submitters: Uncertain significance (1). 1 of the submissions does not count toward it. Last evaluated 2021-11-18.

Conditions:
Ehlers-Danlos syndrome, dermatosparaxis type. Also called: EDS VIIC; Dermatosparaxis; Ehlers-Danlos syndrome, type VII, autosomal recessive. Identifiers: Orphanet 1901, MedGen C2700425, MONDO:0009161, OMIM 225410.

gnomAD v4.1: 19 of 1,609,294 alleles (0.0012%); highest among the groups gnomAD compares: Non-Finnish European, 0.0016%; no homozygotes.

Submissions (2):

Labcorp Genetics (formerly Invitae), Labcorp
Classification: Uncertain significance for Ehlers-Danlos syndrome, dermatosparaxis type. Last evaluated: 2021-11-18. Review status: criteria provided, single submitter. Criteria: Invitae Variant Classification Sherloc (09022015). Collection method: clinical testing. Allele origin: germline.
Comment: This sequence change replaces glutamine, which is neutral and polar, with arginine, which is basic and polar, at codon 67 of the ADAMTS2 protein (p.Gln67Arg). The frequency data for this variant in the population databases is considered unreliable, as metrics indicate poor data quality at this position in the gnomAD database. This variant has not been reported in the literature in individuals affected with ADAMTS2-related conditions. ClinVar contains an entry for this variant (Variation ID: 469668). Algorithms developed to predict the effect of missense changes on protein structure and function are either unavailable or do not agree on the potential impact of this missense change (SIFT: "Deleterious"; PolyPhen-2: "Benign"; Align-GVGD: "Class C0"). In summary, the available evidence is currently insufficient to determine the role of this variant in disease. Therefore, it has been classified as a Variant of Uncertain Significance.

Natera, Inc.
Classification: Uncertain significance for Ehlers-Danlos syndrome type VIIC. Last evaluated: 2019-10-28. Review status: no assertion criteria provided. Collection method: clinical testing. Allele origin: germline. Not counted in ClinVar's aggregate classification.

NM_014244.5(ADAMTS2):c.200A>G (p.Gln67Arg)

Gene: ADAMTS2 (ADAM metallopeptidase with thrombospondin type 1 motif 2; minus strand). Cytogenetic location: 5q35.3.
Variant type: single nucleotide variant.
Coding change: c.200A>G on transcript NM_014244.5 (MANE Select); coding-DNA position 200, A replaced by G.
Protein change: p.Gln67Arg; replaces glutamine 67 with arginine.
Molecular consequence: missense variant.
Genome position (GRCh38, 1-based): chr5:179,344,101, T>C on the plus strand (A>G on the coding strand, the complement: ADAMTS2 is on the minus strand). VCF-style: chr5-179344101-T-C. GRCh37 (hg19) VCF-style: chr5-178771102-T-C.
Other names: c.200A>G, p.Gln67Arg (NM_021599.4); short protein forms Q67R.
Identifiers: ClinVar variation 469668 (VCV000469668.7), dbSNP rs745588970, ClinGen allele CA362623335.